The following is an entry in ClinVar:

ClinVar aggregate classification (germline): Pathogenic (1 of 4 stars; one submission).

gnomAD v4.1: 8 of 1,613,756 alleles (0.0005%); highest among the groups gnomAD compares: African/African-American, 0.0013%; no homozygotes.

Submission:

GeneDx
Classification: Pathogenic. Last evaluated: 2026-03-31. Review status: criteria provided, single submitter. Criteria: GeneDx Variant Classification Process June 2021. Collection method: clinical testing. Allele origin: germline.
Comment: Nonsense variant predicted to result in protein truncation, as the last 437 amino acid(s) are lost, and other loss-of-function variants have been reported downstream in HGMD; Not observed at significant frequency in large population cohorts (gnomAD); Has not been previously published as pathogenic or benign to our knowledge

NM_002016.2(FLG):c.10873A>T (p.Arg3625Ter)

Genes: CCDST (cervical cancer associated DHX9 suppressive transcript; plus strand), FLG (filaggrin; minus strand). Cytogenetic location: 1q21.3.
Variant type: single nucleotide variant.
Coding change: c.10873A>T on transcript NM_002016.2 (MANE Select); coding-DNA position 10873, A replaced by T.
Protein change: p.Arg3625Ter; replaces arginine 3625 with a stop codon.
Molecular consequence: nonsense.
Genome position (GRCh38, 1-based): chr1:152,304,013, T>A on the plus strand (A>T on the coding strand, the complement: FLG is on the minus strand). VCF-style: chr1-152304013-T-A. GRCh37 (hg19) VCF-style: chr1-152276489-T-A.
Other names: short protein forms R3625*.
Identifiers: ClinVar variation 3769926 (VCV003769926.2).